The following is an entry in ClinVar:

NM_001008537.3(NEXMIF):c.2086G>A (p.Gly696Ser)

Gene: NEXMIF (neurite extension and migration factor; minus strand). Cytogenetic location: Xq13.3.
Variant type: single nucleotide variant.
Coding change: c.2086G>A on transcript NM_001008537.3 (MANE Select); coding-DNA position 2086, G replaced by A.
Protein change: p.Gly696Ser; replaces glycine 696 with serine.
Molecular consequence: missense variant.
Genome position (GRCh38, 1-based): chrX:74,742,471, C>T on the plus strand (G>A on the coding strand, the complement: NEXMIF is on the minus strand). VCF-style: chrX-74742471-C-T. GRCh37 (hg19) VCF-style: chrX-73962306-C-T.
Other names: c.2086G>A (NM_001008537.2); short protein forms G696S.
Identifiers: ClinVar variation 2413623 (VCV002413623.7), dbSNP rs147105784, ClinGen allele CA10455078.

ClinVar aggregate classification (germline): Uncertain significance. Review status: criteria provided, multiple submitters, no conflicts (2 of 4 stars). 2 submissions from 2 submitters: Uncertain significance (2). Last evaluated 2025-07-15.

Allele frequency attached by ClinVar (database versions not stated): gnomAD exomes below 0.00001; ExAC 0.00002; TOPMed 0.00004; gnomAD 0.00007; ESP Exome Variant Server 0.00019.
gnomAD v4.1: 9 of 1,208,416 alleles (0.00074%); highest among the groups gnomAD compares: African/African-American, 0.016%; 1 homozygote.

Submissions (2):

Ambry Genetics
Classification: Uncertain significance. Last evaluated: 2025-07-15. Review status: criteria provided, single submitter. Criteria: Ambry Variant Classification Scheme 2023. Collection method: clinical testing. Allele origin: germline.

Labcorp Genetics (formerly Invitae), Labcorp
Classification: Uncertain significance. Last evaluated: 2024-06-26. Review status: criteria provided, single submitter. Criteria: Invitae Variant Classification Sherloc (09022015). Collection method: clinical testing. Allele origin: germline.
Comment: This sequence change replaces glycine, which is neutral and non-polar, with serine, which is neutral and polar, at codon 696 of the NEXMIF protein (p.Gly696Ser). This variant is present in population databases (rs147105784, gnomAD 0.02%), including at least one homozygous and/or hemizygous individual. This variant has not been reported in the literature in individuals affected with NEXMIF-related conditions. ClinVar contains an entry for this variant (Variation ID: 2413623). Algorithms developed to predict the effect of missense changes on protein structure and function output the following: SIFT: "Not Available"; PolyPhen-2: "Benign"; Align-GVGD: "Not Available". The serine amino acid residue is found in multiple mammalian species, which suggests that this missense change does not adversely affect protein function. In summary, the available evidence is currently insufficient to determine the role of this variant in disease. Therefore, it has been classified as a Variant of Uncertain Significance.